The following is an entry in ClinVar:

ClinVar aggregate classification (germline): Pathogenic/Likely pathogenic. Review status: criteria provided, multiple submitters, no conflicts (2 of 4 stars). 8 submissions from 8 submitters: Pathogenic (3); Likely pathogenic (4). 1 of the submissions does not count toward it. Last evaluated 2025-12-17.

Conditions:
Isolated thoracic aortic aneurysm.
Cardiovascular phenotype. Identifiers: MedGen CN230736.
Marfan Syndrome/Loeys-Dietz Syndrome/Familial Thoracic Aortic Aneurysms and Dissections. Identifiers: MedGen CN229799.
Marfan syndrome (MFS). Also called: Marfan syndrome, classic; FBN1-Related Marfan Syndrome; Marfan syndrome type 1; Marfan's syndrome; MARFAN SYNDROME, TYPE I. Identifiers: Orphanet 284963, Orphanet 558, MedGen C0024796, MONDO:0007947, OMIM 154700.
Familial thoracic aortic aneurysm and aortic dissection (TAAD). Also called: Thoracic aortic aneurysms and dissections. Identifiers: Orphanet 91387, MedGen C4707243, MONDO:0019625.

Submissions (8):

Labcorp Genetics (formerly Invitae), Labcorp
Classification: Pathogenic for Marfan syndrome; Familial thoracic aortic aneurysm and aortic dissection. Last evaluated: 2025-12-17. Review status: criteria provided, single submitter. Criteria: Invitae Variant Classification Sherloc (09022015). Collection method: clinical testing. Allele origin: germline.
Comment: This sequence change replaces glycine, which is neutral and non-polar, with arginine, which is basic and polar, at codon 985 of the FBN1 protein (p.Gly985Arg). This variant is not present in population databases (gnomAD no frequency). This missense change has been observed in individual(s) with Marfan syndrome or FBN1-related conditions (PMID: 11700157, 16220557, 17627385, 19863550, 24199744). ClinVar contains an entry for this variant (Variation ID: 200008). Invitae Evidence Modeling of protein sequence and biophysical properties (such as structural, functional, and spatial information, amino acid conservation, physicochemical variation, residue mobility, and thermodynamic stability) indicates that this missense variant is expected to disrupt FBN1 protein function with a positive predictive value of 95%. For these reasons, this variant has been classified as Pathogenic.

Molecular Diagnostic Laboratory for Inherited Cardiovascular Disease, Montreal Heart Institute
Classification: Pathogenic for Cardiovascular phenotype. Last evaluated: 2025-02-17. Review status: criteria provided, single submitter. Criteria: ACMG Guidelines, 2015. Collection method: clinical testing. Allele origin: germline. Affected: yes.
Comment: PS4, PM2, PM6, PM5_supp, PP2, PP3, PP4

GeneDx
Classification: Likely pathogenic. Last evaluated: 2024-08-13. Review status: criteria provided, single submitter. Criteria: GeneDx Variant Classification Process June 2021. Collection method: clinical testing. Allele origin: germline. Affected: yes.
Comment: Not observed at significant frequency in large population cohorts (gnomAD); In silico analysis supports that this missense variant has a deleterious effect on protein structure/function; Does not affect a cysteine or calcium-binding residue within an EGF-like domain or a TGF-binding protein domain of the FBN1 gene; cysteine substitutions in the EGF-like domains represent the majority of pathogenic missense changes associated with FBN1-related disorders (PMID: 12938084); This variant is associated with the following publications: (PMID: 34498425, 19002209, 19161152, 17627385, 16220557, 19863550, 24941995, 27479044, 24199744, 29907982, 33824467, 32123317, 33059708, 31098894, 34663891, 12938084, 11700157, 27611364, 37378398)

Ambry Genetics
Classification: Pathogenic for Familial thoracic aortic aneurysm and aortic dissection. Last evaluated: 2024-07-11. Review status: criteria provided, single submitter. Criteria: Ambry Variant Classification Scheme 2023. Collection method: clinical testing. Allele origin: germline.
Comment: The p.G985R pathogenic mutation (also known as c.2953G>A), located in coding exon 24 of the FBN1 gene, results from a G to A substitution at nucleotide position 2953. The glycine at codon 985 is replaced by arginine, an amino acid with dissimilar properties, and is located in the TGFBP #03 domain. This alteration has been identified in multiple individuals with classical Marfan syndrome and reported to co-segregate with disease (Loeys B et al. Arc Intern Med. 2001;161(20):2447-54; Howarth R et al. Genet. Test., 2007;11:146-52; Ware AL et al. Cardiovasc. Pathol. 2016 Jun;25:418-22). Another variant at the same codon, p.G985E (c.2954G>A), has been reported in individuals with classical Marfan syndrome (Collod-B&eacute;roud G et al. Am. J. Hum. Genet., 1999 Sep;65:917-21; Stheneur C et al. Eur. J. Hum. Genet., 2009 Sep;17:1121-8). This variant is considered to be rare based on population cohorts in the Genome Aggregation Database (gnomAD). In addition, this alteration is predicted to be deleterious by in silico analysis. Based on the supporting evidence, this variant is interpreted as a disease-causing mutation.

CHEO Genetics Diagnostic Laboratory, Children's Hospital of Eastern Ontario
Classification: Likely pathogenic for Familial thoracic aortic aneurysm and aortic dissection. Last evaluated: 2023-02-08. Review status: criteria provided, single submitter. Criteria: ACMG Guidelines, 2015. Collection method: clinical testing. Allele origin: germline.

Department of Vascular Biology, Beijing Anzhen Hospital
Classification: Likely pathogenic for Isolated thoracic aortic aneurysm. Last evaluated: 2018-09-01. Review status: criteria provided, single submitter. Criteria: ACMG Guidelines, 2015. Collection method: research. Allele origin: germline. Affected: yes.

Women's Health and Genetics/Laboratory Corporation of America, LabCorp
Classification: Likely pathogenic for Marfan Syndrome/Loeys-Dietz Syndrome/Familial Thoracic Aortic Aneurysms and Dissections. Last evaluated: 2017-06-21. Review status: criteria provided, single submitter. Criteria: LabCorp Variant Classification Summary - May 2015. Collection method: clinical testing. Allele origin: germline.
Comment: Variant summary: The FBN1 c.2953G>A (p.Gly985Arg) missense variant involves the alteration of a conserved nucleotide and is predicted to be damaging by 4/4 in silico tools. This variant is located in TB domain and glycines in the FBN1 gene are implicated in correct domain-domain packing (Faive_2009). This variant is absent in 121470 control chromosomes (including ExAC). This variant has been reported in several MFS (classic as well as incomplete MFS) patients. In one family, this variant was found in three affected members with MFS or MFS-like syndrome but not in five unaffected members, indicating cosegregation with disease (Howarth_2007). In two other families, probands affected with classic MFS and two first-degree relatives in each family carried the variant; however affected status of the family members was not clearly indicated (Ware_2016). In contrast to the pathogenic outcome from these three families, a study reclassified this variant to benign from family segregation analysis (Yang_2016). However, genotypic and phenotypic details of family members were not provided, limiting independent evaluation of the evidences. Two clinical diagnostic laboratories (via ClinVar) have classified this variant as likely pathogenic (one has noted the finding of Yang_2016). Another missense change at the same residue G985E has also been reported in a patient with MFS, suggesting that Gly985 codon could be mutational hot-spot. Based on the currently available data, this variant is classified as likely pathogenic.

Center for Medical Genetics Ghent, University of Ghent
Classification: Likely pathogenic for Marfan syndrome. Last evaluated: 2017-11-07. Review status: no assertion criteria provided. Collection method: clinical testing. Allele origin: germline. Affected: yes. Not counted in ClinVar's aggregate classification.

Literature cited by the submitters: PubMed 11700157 (cited by 3 submitters); PubMed 16220557 (cited by 3 submitters); PubMed 17627385 (cited by 3 submitters); PubMed 19863550 (cited by 3 submitters); PubMed 24199744 (cited by Labcorp Genetics (formerly Invitae), Labcorp and Women's Health and Genetics/Laboratory Corporation of America, LabCorp); PubMed 10441597 (cited by Ambry Genetics); PubMed 19293843 (cited by Ambry Genetics); PubMed 27611364 (cited by Ambry Genetics and Women's Health and Genetics/Laboratory Corporation of America, LabCorp); PubMed 37378398 (cited by Ambry Genetics); PubMed 19002209 (cited by Women's Health and Genetics/Laboratory Corporation of America, LabCorp); PubMed 15241795 (cited by Women's Health and Genetics/Laboratory Corporation of America, LabCorp); PubMed 19161152 (cited by Women's Health and Genetics/Laboratory Corporation of America, LabCorp).

NM_000138.5(FBN1):c.2953G>A (p.Gly985Arg)

Gene: FBN1 (fibrillin 1; minus strand). Cytogenetic location: 15q21.1.
Variant type: single nucleotide variant.
Coding change: c.2953G>A on transcript NM_000138.5 (MANE Select); coding-DNA position 2953, G replaced by A.
Protein change: p.Gly985Arg; replaces glycine 985 with arginine.
Molecular consequence: missense variant.
Genome position (GRCh38, 1-based): chr15:48,489,980, C>T on the plus strand (G>A on the coding strand, the complement: FBN1 is on the minus strand). VCF-style: chr15-48489980-C-T. GRCh37 (hg19) VCF-style: chr15-48782177-C-T.
Other names: p.G985R:GGG>AGG; short protein forms G985R.
Identifiers: ClinVar variation 200008 (VCV000200008.25), dbSNP rs794728199, ClinGen allele CA013585.